The following is an entry in ClinVar:

NM_006030.4(CACNA2D2):c.1390-1G>C

Gene: CACNA2D2 (calcium voltage-gated channel auxiliary subunit alpha2delta 2; minus strand). Cytogenetic location: 3p21.31.
Variant type: single nucleotide variant.
Coding change: c.1390-1G>C on transcript NM_006030.4 (MANE Select); the canonical splice acceptor site of the intron before coding-DNA position 1390, G replaced by C.
Molecular consequence: splice acceptor variant.
Genome position (GRCh38, 1-based): chr3:50,378,098, C>G on the plus strand (G>C on the coding strand, the complement: CACNA2D2 is on the minus strand). VCF-style: chr3-50378098-C-G. GRCh37 (hg19) VCF-style: chr3-50415529-C-G.
Other names: c.1183-1G>C (NM_001291101.1); c.1390-1G>C (NM_001005505.3, NM_001410768.1, NM_001174051.3).
Identifiers: ClinVar variation 1515457 (VCV001515457.9), dbSNP rs2106652662, ClinGen allele CA352929917.

ClinVar aggregate classification (germline): Likely pathogenic (1 of 4 stars; one submission).

Conditions:
Early-infantile DEE. Also called: Ohtahara syndrome; Early infantile epileptic encephalopathy; Early infantile epileptic encephalopathy with suppression bursts. Identifiers: Orphanet 1934, MedGen C0393706, MONDO:0800491.

Submission:

Labcorp Genetics (formerly Invitae), Labcorp
Classification: Likely pathogenic for Early-infantile DEE. Last evaluated: 2021-02-07. Review status: criteria provided, single submitter. Criteria: Invitae Variant Classification Sherloc (09022015). Collection method: clinical testing. Allele origin: germline.
Comment: This sequence change affects an acceptor splice site in intron 14 of the CACNA2D2 gene. It is expected to disrupt RNA splicing. Variants that disrupt the donor or acceptor splice site typically lead to a loss of protein function (PMID: 16199547), and loss-of-function variants in CACNA2D2 are known to be pathogenic (PMID: 24358150). This variant is not present in population databases (ExAC no frequency). This variant has not been reported in the literature in individuals with CACNA2D2-related conditions. In summary, the currently available evidence indicates that the variant is pathogenic, but additional data are needed to prove that conclusively. Therefore, this variant has been classified as Likely Pathogenic.

Literature cited by the submitters: PubMed 16199547; PubMed 24358150.